The following is an entry in ClinVar:

NM_025215.6(PUS1):c.289dup (p.Tyr97fs)

Gene: PUS1 (pseudouridine synthase 1; plus strand). Cytogenetic location: 12q24.33.
Variant type: Duplication.
Coding change: c.289dup on transcript NM_025215.6 (MANE Select); coding-DNA position 289, one base duplicated (T; older notation c.289dupT).
Protein change: p.Tyr97fs; shifts the reading frame from tyrosine 97.
Molecular consequence: frameshift variant.
Genome position (GRCh38, 1-based): chr12:131,930,121, T duplicated. VCF-style (leftmost placement, unchanged base first): chr12-131930120-C-CT. GRCh37 (hg19) VCF-style: chr12-132414665-C-CT.
Other names: c.205dup, p.Tyr69fs (NM_001002019.3, NM_001002020.3); short protein forms Y69fs, Y97fs.
Identifiers: ClinVar variation 5015351 (VCV005015351.1).
Genomic context (GRCh38, chr12:131,930,120, plus strand): 5'-GCGGCGCGAGAAGCCGCCCAAGCGGAAGATCGTGCTGCTCATGGCCTATTCGGGCAAGGG[C>CT]TACCACGGCATGCAGGTGTGGCCGCCCGGGAAGCGGCAGGTCCCGCGGGGTTTAGGTGCA-3'

ClinVar aggregate classification (germline): Pathogenic (1 of 4 stars; one submission).

Conditions:
Myopathy, lactic acidosis, and sideroblastic anemia 1 (MLASA1). Identifiers: Orphanet 2598, MedGen C4551958, MONDO:0024553, OMIM 600462.

Submission:

Myriad Genetics, Inc.
Classification: Pathogenic for Myopathy, lactic acidosis, and sideroblastic anemia 1. Last evaluated: 2025-12-20. Review status: criteria provided, single submitter. Criteria: Myriad Autosomal Dominant, Autosomal Recessive and X-Linked Classification Criteria (2023). Collection method: clinical testing. Allele origin: unknown.
Comment: NM_025215.5(PUS1):c.289dupT(Y97Lfs*17) is expected to be pathogenic in the context of myopathy, lactic acidosis, and sideroblastic anemia 1. This variant is predicted to lead to an abnormal or absent protein product due to the creation of a premature termination codon in PUS1, a gene where loss-of-function variants are known to be pathogenic. Please note: this variant was assessed in the context of healthy population screening.